The following is an entry in ClinVar:

ClinVar aggregate classification (germline): Pathogenic (1 of 4 stars; one submission).

Conditions:
Leukocyte adhesion deficiency 3. Also called: Leukocyte adhesion deficiency, type III; INTEGRIN ACTIVATION DEFICIENCY DISEASE; LEUKOCYTE ADHESION DEFICIENCY 1 VARIANT. Identifiers: Orphanet 2968, Orphanet 99844, MedGen C2748536, MONDO:0013016, OMIM 612840.

Submission:

Labcorp Genetics (formerly Invitae), Labcorp
Classification: Pathogenic for Leukocyte adhesion deficiency 3. Last evaluated: 2018-09-26. Review status: criteria provided, single submitter. Criteria: Invitae Variant Classification Sherloc (09022015). Collection method: clinical testing. Allele origin: germline.
Comment: For these reasons, this variant has been classified as Pathogenic. Loss-of-function variants in FERMT3 are known to be pathogenic (PMID: 19064721, 19234463, 22134107). This variant has not been reported in the literature in individuals with FERMT3-related disease. This variant is not present in population databases (ExAC no frequency). This sequence change creates a premature translational stop signal (p.Lys222Aspfs*51) in the FERMT3 gene. It is expected to result in an absent or disrupted protein product.

Literature cited by the submitters: PubMed 19064721; PubMed 19234463; PubMed 22134107.

NM_031471.6(FERMT3):c.664_665del (p.Lys222fs)

Gene: FERMT3 (FERM domain containing kindlin 3; plus strand). Cytogenetic location: 11q13.1.
Variant type: Deletion.
Coding change: c.664_665del on transcript NM_031471.6 (MANE Select); coding-DNA positions 664 to 665, 2 bases deleted (AA; older notation c.664_665delAA).
Protein change: p.Lys222fs; shifts the reading frame from lysine 222.
Molecular consequence: frameshift variant.
Genome position (GRCh38, 1-based): chr11:64,211,424-64,211,425, AA deleted. VCF-style (leftmost placement, unchanged base first): chr11-64211423-CAA-C. GRCh37 (hg19) VCF-style: chr11-63978895-CAA-C.
Other names: c.664_665del, p.Lys222fs (NM_001382361.1, NM_001382362.1, NM_001382448.1 and 1 more transcripts); c.124_125del, p.Lys42fs (NM_001382363.1, NM_001382364.1); short protein forms K222fs, K42fs.
Identifiers: ClinVar variation 643472 (VCV000643472.6), dbSNP rs1591028090, ClinGen allele CA915948528.